The following is an entry in ClinVar:

NM_001330078.2(NRXN1):c.26G>A (p.Gly9Glu)

Gene: NRXN1 (neurexin 1; minus strand). Cytogenetic location: 2p16.3.
Variant type: single nucleotide variant.
Coding change: c.26G>A on transcript NM_001330078.2 (MANE Select); coding-DNA position 26, G replaced by A.
Protein change: p.Gly9Glu; replaces glycine 9 with glutamic acid.
Molecular consequence: missense variant.
Genome position (GRCh38, 1-based): chr2:51,028,248, C>T on the plus strand (G>A on the coding strand, the complement: NRXN1 is on the minus strand). VCF-style: chr2-51028248-C-T. GRCh37 (hg19) VCF-style: chr2-51255386-C-T.
Other names: c.26G>A, p.Gly9Glu (NM_001135659.3, NM_001330077.2, NM_001330079.2 and 15 more transcripts); short protein forms G9E.
Identifiers: ClinVar variation 2057456 (VCV002057456.4), dbSNP rs1670933863, ClinGen allele CA346824861.

ClinVar aggregate classification (germline): Uncertain significance (1 of 4 stars; one submission).

Conditions:
Pitt-Hopkins-like syndrome 2 (PTHSL2). Identifiers: Orphanet 221150, Orphanet 600663, MedGen C3280479, MONDO:0013690, OMIM 614325.

Allele frequency attached by ClinVar (database versions not stated): TOPMed below 0.00001.
gnomAD v4.1: 2 of 1,463,354 alleles (0.00014%); highest among the groups gnomAD compares: Admixed American, 0.0026%; no homozygotes.

Submission:

Labcorp Genetics (formerly Invitae), Labcorp
Classification: Uncertain significance for Pitt-Hopkins-like syndrome 2. Last evaluated: 2026-01-19. Review status: criteria provided, single submitter. Criteria: Invitae Variant Classification Sherloc (09022015). Collection method: clinical testing. Allele origin: germline.
Comment: This sequence change replaces glycine, which is neutral and non-polar, with glutamic acid, which is acidic and polar, at codon 9 of the NRXN1 protein (p.Gly9Glu). This variant is not present in population databases (gnomAD no frequency). This variant has not been reported in the literature in individuals affected with NRXN1-related conditions. ClinVar contains an entry for this variant (Variation ID: 2057456). An algorithm developed to predict the effect of missense changes on protein structure and function (PolyPhen-2) suggests that this variant is likely to be tolerated. In summary, the available evidence is currently insufficient to determine the role of this variant in disease. Therefore, it has been classified as a Variant of Uncertain Significance.